The following is an entry in ClinVar:

NM_024675.4(PALB2):c.2613del (p.Asp871fs)

Gene: PALB2 (partner and localizer of BRCA2; minus strand). Cytogenetic location: 16p12.2.
Variant type: Deletion.
Coding change: c.2613del on transcript NM_024675.4 (MANE Select); coding-DNA position 2613, one base deleted (T; older notation c.2613delT).
Protein change: p.Asp871fs; shifts the reading frame from aspartic acid 871.
Molecular consequence: frameshift variant. On other transcripts: intron variant (3).
Genome position (GRCh38, 1-based): chr16:23,626,371, A deleted on the plus strand (T on the coding strand, the reverse complement: PALB2 is on the minus strand). VCF-style (leftmost placement, unchanged base first): chr16-23626370-CA-C. GRCh37 (hg19) VCF-style: chr16-23637691-CA-C.
Other names: c.2553del, p.Asp851fs (NM_001407296.1); c.2541del, p.Asp847fs (NM_001407297.1); c.2613del, p.Asp871fs (NM_001407299.1, NM_001407300.1, NM_001407301.1); c.1728del, p.Asp576fs (NM_001407304.1, NM_001407305.1, NM_001407306.1 and 4 more transcripts); c.825del, p.Asp275fs (NM_001407312.1, NM_001407313.1); c.147del, p.Asp49fs (NM_001407314.1); c.2587-2277del (NM_001407302.1, NM_001407298.1); c.1702-2277del (NM_001407307.1); short protein forms D275fs, D49fs, D576fs, D847fs, D851fs, D871fs.
Identifiers: ClinVar variation 2674155 (VCV002674155.1), dbSNP rs2506374385, ClinGen allele CA2695197618.

ClinVar aggregate classification (germline): Pathogenic (1 of 4 stars; one submission).

Conditions:
Familial cancer of breast. Also called: Hereditary breast cancer; BREAST CANCER, FAMILIAL; hereditary breast carcinoma. Identifiers: Orphanet 227535, MedGen C0346153, MONDO:0016419, OMIM 114480. Disease mechanism: loss of function.

Submission:

Myriad Genetics, Inc.
Classification: Pathogenic for Familial cancer of breast. Last evaluated: 2023-09-13. Review status: criteria provided, single submitter. Criteria: Myriad Autosomal Dominant, Autosomal Recessive and X-Linked Classification Criteria (2023). Collection method: clinical testing. Allele origin: unknown.
Comment: This variant is considered pathogenic. This variant creates a frameshift predicted to result in premature protein truncation.